The following is an entry in ClinVar:

NM_000789.4(ACE):c.1098C>T (p.Phe366=)

Gene: ACE (angiotensin I converting enzyme; plus strand). Cytogenetic location: 17q23.3.
Variant type: single nucleotide variant.
Coding change: c.1098C>T on transcript NM_000789.4 (MANE Select); coding-DNA position 1098, C replaced by T.
Protein change: p.Phe366=; no amino-acid change (phenylalanine 366 retained).
Molecular consequence: synonymous variant. On other transcripts: intron variant (1).
Genome position (GRCh38, 1-based): chr17:63,481,718, C>T. VCF-style: chr17-63481718-C-T. GRCh37 (hg19) VCF-style: chr17-61559079-C-T.
Other names: c.246C>T, p.Phe82= (NM_001382701.1); c.472+530C>T (NM_001382700.1).
Identifiers: ClinVar variation 2648077 (VCV002648077.28), dbSNP rs114488574, ClinGen allele CA8699385.

ClinVar aggregate classification (germline): Likely benign. Review status: criteria provided, multiple submitters, no conflicts (2 of 4 stars). 3 submissions from 3 submitters: Likely benign (3). Last evaluated 2025-12-23.

Allele frequency attached by ClinVar (database versions not stated): gnomAD exomes 0.00004; ExAC 0.00018; gnomAD 0.00038; ESP Exome Variant Server 0.00046; TOPMed 0.00048; 1000 Genomes Project 0.00060; 1000 Genomes Project 30x 0.00094.
gnomAD v4.1: 123 of 1,614,142 alleles (0.0076%); highest among the groups gnomAD compares: African/African-American, 0.14%; no homozygotes.

Submissions (3):

Labcorp Genetics (formerly Invitae), Labcorp
Classification: Likely benign. Last evaluated: 2025-12-23. Review status: criteria provided, single submitter. Criteria: Invitae Variant Classification Sherloc (09022015). Collection method: clinical testing. Allele origin: germline.

Blueprint Genetics
Classification: Likely benign. Last evaluated: 2024-02-08. Review status: criteria provided, single submitter. Criteria: ACMG Guidelines, 2015. Collection method: clinical testing. Allele origin: germline.

CeGaT Center for Human Genetics Tuebingen
Classification: Likely benign. Last evaluated: 2023-05-01. Review status: criteria provided, single submitter. Criteria: CeGaT Center For Human Genetics Tuebingen Variant Classification Criteria Version 2. Collection method: clinical testing. Allele origin: germline. Affected: yes. Observed: 1 variant allele.
Comment: ACE: BP4